The following is an entry in ClinVar:

ClinVar aggregate classification (germline): Pathogenic (1 of 4 stars; one submission).

Submission:

GeneDx
Classification: Pathogenic. Last evaluated: 2017-07-18. Review status: criteria provided, single submitter. Criteria: GeneDx Variant Classification (06012015). Collection method: clinical testing. Allele origin: germline. Affected: yes.
Comment: The c.3751_3763del13 variant in the SHANK3 gene has not been reported previously as a pathogenic variant nor as a benign variant, to our knowledge. The c.3751_3763del13 variant causes a frameshift starting with codon Leucine 1251, changes this amino acid to a Glycine residue, and creates a premature Stop codon at position 29 of the new reading frame, denoted p.Leu1251GlyfsX29. This variant is predicted to cause loss of normal protein function either through protein truncation or nonsense-mediated mRNA decay. The c.3751_3763del13 variant is not observed in large population cohorts (Lek et al., 2016; 1000 Genomes Consortium et al., 2015; Exome Variant Server). We interpret c.3751_3763del13 as a pathogenic variant.

NM_001372044.2(SHANK3):c.3976_3988del (p.Leu1326fs)

Gene: SHANK3 (SH3 and multiple ankyrin repeat domains 3; plus strand). Cytogenetic location: 22q13.33.
Variant type: Deletion.
Coding change: c.3976_3988del on transcript NM_001372044.2 (MANE Select); coding-DNA positions 3976 to 3988, 13 bases deleted (CTGCCCAGCCCCC).
Protein change: p.Leu1326fs; shifts the reading frame from leucine 1326.
Molecular consequence: frameshift variant.
Genome position (GRCh38, 1-based): chr22:50,721,584-50,721,596, CTGCCCAGCCCCC deleted; deleting any 13 consecutive bases within chr22:50,721,581-50,721,596 gives the same sequence; the c. name uses the placement nearest the transcript's 3' end. VCF-style (leftmost placement, unchanged base first): chr22-50721580-GCCCCTGCCCAGCC-G. GRCh37 (hg19) VCF-style: chr22-51160008-GCCCCTGCCCAGCC-G.
Other names: c.3751_3763delCTGCCCAGCCCCC, p.Leu1251Glyfs (NM_033517.1); short protein forms L1326fs.
Identifiers: ClinVar variation 450457 (VCV000450457.2), dbSNP rs1555910178, ClinGen allele CA658658927.